The following is an entry in ClinVar:

ClinVar aggregate classification (germline): Uncertain significance (1 of 4 stars; one submission).

Conditions:
Gorlin syndrome. Also called: Nevoid Basal Cell Carcinoma Syndrome; Basal cell nevus syndrome. Identifiers: Orphanet 377, MedGen C0004779, MONDO:0007187.

Submission:

Labcorp Genetics (formerly Invitae), Labcorp
Classification: Uncertain significance for Gorlin syndrome. Last evaluated: 2020-09-26. Review status: criteria provided, single submitter. Criteria: Invitae Variant Classification Sherloc (09022015). Collection method: clinical testing. Allele origin: germline.
Comment: In summary, the available evidence is currently insufficient to determine the role of this variant in disease. Therefore, it has been classified as a Variant of Uncertain Significance. Experimental studies and prediction algorithms are not available or were not evaluated, and the functional significance of this variant is currently unknown. This variant has not been reported in the literature in individuals with PTCH1-related conditions. This variant is not present in population databases (ExAC no frequency). This variant, c.3514_3522del, results in the deletion of 3 amino acid(s) of the PTCH1 protein (p.Pro1172_Leu1174del), but otherwise preserves the integrity of the reading frame.

NM_000264.5(PTCH1):c.3514_3522del (p.Pro1172_Leu1174del)

Gene: PTCH1 (patched 1; minus strand). Cytogenetic location: 9q22.32.
Variant type: Deletion.
Coding change: c.3514_3522del on transcript NM_000264.5 (MANE Select); coding-DNA positions 3514 to 3522, 9 bases deleted (CCCGTGCTT; older notation c.3514_3522delCCCGTGCTT).
Protein change: p.Pro1172_Leu1174del.
Molecular consequence: inframe deletion. On other transcripts: non-coding transcript variant (1).
Genome position (GRCh38, 1-based): chr9:95,449,868-95,449,876, AAGCACGGG deleted on the plus strand (CCCGTGCTT on the coding strand, the reverse complement: PTCH1 is on the minus strand); deleting any 9 consecutive bases within chr9:95,449,868-95,449,881 gives the same sequence; the c. name uses the placement nearest the transcript's 3' end. VCF-style (leftmost placement, unchanged base first): chr9-95449867-AAAGCACGGG-A. GRCh37 (hg19) VCF-style: chr9-98212149-AAAGCACGGG-A.
Other names: c.3316_3324del, p.Pro1106_Leu1108del (NM_001083602.3); c.3511_3519del, p.Pro1171_Leu1173del (NM_001083603.3); c.3061_3069del, p.Pro1021_Leu1023del (NM_001083604.3, NM_001083605.3, NM_001083606.3 and 1 more transcripts); c.3358_3366del, p.Pro1120_Leu1122del (NM_001354918.2).
Identifiers: ClinVar variation 1014519 (VCV001014519.9), dbSNP rs1838308465, ClinGen allele CA1865579327.
Genomic context (GRCh38, chr9:95,449,867, plus strand): 5'-CCTACACGTGGGACATCCCCGTGTCACTACTGACCTCAGGATATGGTCCAAAGAAAGACA[AAAGCACGGG>A]AAGCAAAACCAGCCCATTGAGAACGCCGAGGATGGTGAGGATCGCCAGCACAGCAAAGAA-3'